The following is an entry in ClinVar:

ClinVar aggregate classification (germline): Uncertain significance. Review status: criteria provided, multiple submitters, no conflicts (2 of 4 stars). 2 submissions from 2 submitters: Uncertain significance (2). Last evaluated 2022-08-25.

Allele frequency attached by ClinVar (database versions not stated): gnomAD 0.00001; gnomAD exomes 0.00001; TOPMed 0.00002; ExAC 0.00003.
gnomAD v4.1: 24 of 1,611,450 alleles (0.0015%); highest among the groups gnomAD compares: Middle Eastern, 0.049%; 1 homozygote.

Submissions (2):

Blueprint Genetics
Classification: Uncertain significance. Last evaluated: 2022-08-25. Review status: criteria provided, single submitter. Criteria: ACMG Guidelines, 2015. Collection method: clinical testing. Allele origin: germline.

Labcorp Genetics (formerly Invitae), Labcorp
Classification: Uncertain significance. Last evaluated: 2022-05-21. Review status: criteria provided, single submitter. Criteria: Invitae Variant Classification Sherloc (09022015). Collection method: clinical testing. Allele origin: germline.
Comment: This sequence change replaces arginine, which is basic and polar, with glutamine, which is neutral and polar, at codon 707 of the PDE6A protein (p.Arg707Gln). The frequency data for this variant in the population databases is considered unreliable, as metrics indicate poor data quality at this position in the gnomAD database. This variant has not been reported in the literature in individuals affected with PDE6A-related conditions. Algorithms developed to predict the effect of missense changes on protein structure and function are either unavailable or do not agree on the potential impact of this missense change (SIFT: "Tolerated"; PolyPhen-2: "Probably Damaging"; Align-GVGD: "Class C0"). In summary, the available evidence is currently insufficient to determine the role of this variant in disease. Therefore, it has been classified as a Variant of Uncertain Significance.

NM_000440.3(PDE6A):c.2120G>A (p.Arg707Gln)

Gene: PDE6A (phosphodiesterase 6A; minus strand). Cytogenetic location: 5q32.
Variant type: single nucleotide variant.
Coding change: c.2120G>A on transcript NM_000440.3 (MANE Select); coding-DNA position 2120, G replaced by A.
Protein change: p.Arg707Gln; replaces arginine 707 with glutamine.
Molecular consequence: missense variant.
Genome position (GRCh38, 1-based): chr5:149,883,444, C>T on the plus strand (G>A on the coding strand, the complement: PDE6A is on the minus strand). VCF-style: chr5-149883444-C-T. GRCh37 (hg19) VCF-style: chr5-149263007-C-T.
Other names: c.1877G>A, p.Arg626Gln (NM_001410788.1); short protein forms R626Q, R707Q.
Identifiers: ClinVar variation 1915081 (VCV001915081.3), dbSNP rs780341969, ClinGen allele CA3504410.